The following is an entry in ClinVar:

ClinVar aggregate classification (germline): Uncertain significance. Review status: criteria provided, multiple submitters, no conflicts (2 of 4 stars). 2 submissions from 2 submitters: Uncertain significance (2). Last evaluated 2025-02-19.

Conditions:
Developmental and epileptic encephalopathy, 30 (DEE30). Also called: Epileptic encephalopathy, early infantile, 30. Identifiers: MedGen C4225360, MONDO:0014595, OMIM 616341.
Inborn genetic diseases. Identifiers: MedGen C0950123, MeSH D030342.

Allele frequency attached by ClinVar (database versions not stated): ExAC 0.00002.

Submissions (2):

Labcorp Genetics (formerly Invitae), Labcorp
Classification: Uncertain significance for Developmental and epileptic encephalopathy, 30. Last evaluated: 2025-02-19. Review status: criteria provided, single submitter. Criteria: Invitae Variant Classification Sherloc (09022015). Collection method: clinical testing. Allele origin: germline.
Comment: This sequence change replaces arginine, which is basic and polar, with cysteine, which is neutral and slightly polar, at codon 355 of the SIK1 protein (p.Arg355Cys). The frequency data for this variant in the population databases is considered unreliable, as metrics indicate poor data quality at this position in the gnomAD database. This variant has not been reported in the literature in individuals affected with SIK1-related conditions. ClinVar contains an entry for this variant (Variation ID: 985255). Invitae Evidence Modeling of protein sequence and biophysical properties (such as structural, functional, and spatial information, amino acid conservation, physicochemical variation, residue mobility, and thermodynamic stability) indicates that this missense variant is not expected to disrupt SIK1 protein function with a negative predictive value of 95%. In summary, the available evidence is currently insufficient to determine the role of this variant in disease. Therefore, it has been classified as a Variant of Uncertain Significance.

Ambry Genetics
Classification: Uncertain significance for Inborn genetic diseases. Last evaluated: 2017-09-28. Review status: criteria provided, single submitter. Criteria: Ambry Variant Classification Scheme 2023. Collection method: clinical testing. Allele origin: germline.
Comment: The p.R355C variant (also known as c.1063C>T), located in coding exon 8 of the SIK1 gene, results from a C to T substitution at nucleotide position 1063. The arginine at codon 355 is replaced by cysteine, an amino acid with highly dissimilar properties. This amino acid position is not well conserved in available vertebrate species. In addition, this alteration is predicted to be tolerated by in silico analysis. Since supporting evidence is limited at this time, the clinical significance of this alteration remains unclear.

NM_173354.5(SIK1):c.1063C>T (p.Arg355Cys)

Gene: SIK1 (salt inducible kinase 1; minus strand). Cytogenetic location: 21q22.3.
Variant type: single nucleotide variant.
Coding change: c.1063C>T on transcript NM_173354.5 (MANE Select); coding-DNA position 1063, C replaced by T.
Protein change: p.Arg355Cys; replaces arginine 355 with cysteine.
Molecular consequence: missense variant.
Genome position (GRCh38, 1-based): chr21:43,419,915, G>A on the plus strand (C>T on the coding strand, the complement: SIK1 is on the minus strand). VCF-style: chr21-43419915-G-A. GRCh37 (hg19) VCF-style: chr21-44839795-G-A.
Other names: short protein forms R355C.
Identifiers: ClinVar variation 985255 (VCV000985255.6), dbSNP rs765513472, ClinGen allele CA321326502.